The following is an entry in ClinVar:

ClinVar aggregate classification (germline): Uncertain significance. Review status: criteria provided, multiple submitters, no conflicts (2 of 4 stars). 3 submissions from 3 submitters: Uncertain significance (3). Last evaluated 2025-01-13.

Conditions:
Inborn genetic diseases. Identifiers: MedGen C0950123, MeSH D030342.
Cognitive impairment - coarse facies - heart defects - obesity - pulmonary involvement - short stature - skeletal dysplasia syndrome. Also called: AFF4-Related CHOPS Syndrome; COGNITIVE IMPAIRMENT, COARSE FACIES, HEART DEFECTS, OBESITY, PULMONARY INVOLVEMENT, SHORT STATURE, AND SKELETAL DYSPLASIA; Chops syndrome. Identifiers: Orphanet 444077, MedGen C4085597, MONDO:0014609, OMIM 616368.

Allele frequency attached by ClinVar (database versions not stated): gnomAD exomes below 0.00001 and 0.00001; ExAC 0.00001; gnomAD 0.00001; TOPMed 0.00001.
gnomAD v4.1: 6 of 1,614,022 alleles (0.00037%); highest among the groups gnomAD compares: Non-Finnish European, 0.00042%; no homozygotes.

Submissions (3):

Labcorp Genetics (formerly Invitae), Labcorp
Classification: Uncertain significance for Cognitive impairment - coarse facies - heart defects - obesity - pulmonary involvement - short stature - skeletal dysplasia syndrome. Last evaluated: 2025-01-13. Review status: criteria provided, single submitter. Criteria: Invitae Variant Classification Sherloc (09022015). Collection method: clinical testing. Allele origin: germline.
Comment: This sequence change replaces lysine, which is basic and polar, with glutamic acid, which is acidic and polar, at codon 787 of the AFF4 protein (p.Lys787Glu). This variant is present in population databases (rs746518188, gnomAD 0.002%). This variant has not been reported in the literature in individuals affected with AFF4-related conditions. ClinVar contains an entry for this variant (Variation ID: 444661). Invitae Evidence Modeling of protein sequence and biophysical properties (such as structural, functional, and spatial information, amino acid conservation, physicochemical variation, residue mobility, and thermodynamic stability) indicates that this missense variant is not expected to disrupt AFF4 protein function with a negative predictive value of 80%. In summary, the available evidence is currently insufficient to determine the role of this variant in disease. Therefore, it has been classified as a Variant of Uncertain Significance.

Ambry Genetics
Classification: Uncertain significance for Inborn genetic diseases. Last evaluated: 2024-02-05. Review status: criteria provided, single submitter. Criteria: Ambry Variant Classification Scheme 2023. Collection method: clinical testing. Allele origin: germline.

CeGaT Center for Human Genetics Tuebingen
Classification: Uncertain significance. Last evaluated: 2017-05-01. Review status: criteria provided, single submitter. Criteria: CeGaT Center For Human Genetics Tuebingen Variant Classification Criteria Version 2. Collection method: clinical testing. Allele origin: germline. Affected: yes. Observed: 1 variant allele.

NM_014423.4(AFF4):c.2359A>G (p.Lys787Glu)

Gene: AFF4 (ALF transcription elongation factor 4; minus strand). Cytogenetic location: 5q31.1.
Variant type: single nucleotide variant.
Coding change: c.2359A>G on transcript NM_014423.4 (MANE Select); coding-DNA position 2359, A replaced by G.
Protein change: p.Lys787Glu; replaces lysine 787 with glutamic acid.
Molecular consequence: missense variant.
Genome position (GRCh38, 1-based): chr5:132,893,067, T>C on the plus strand (A>G on the coding strand, the complement: AFF4 is on the minus strand). VCF-style: chr5-132893067-T-C. GRCh37 (hg19) VCF-style: chr5-132228759-T-C.
Other names: c.2359A>G (NM_014423.3); short protein forms K787E.
Identifiers: ClinVar variation 444661 (VCV000444661.50), dbSNP rs746518188, ClinGen allele CA3408946.